The following is an entry in ClinVar:

NM_006904.7(PRKDC):c.410C>T (p.Thr137Ile)

Gene: PRKDC (protein kinase, DNA-activated, catalytic subunit; minus strand). Cytogenetic location: 8q11.21.
Variant type: single nucleotide variant.
Coding change: c.410C>T on transcript NM_006904.7 (MANE Select); coding-DNA position 410, C replaced by T.
Protein change: p.Thr137Ile; replaces threonine 137 with isoleucine.
Molecular consequence: missense variant.
Genome position (GRCh38, 1-based): chr8:47,954,436, G>A on the plus strand (C>T on the coding strand, the complement: PRKDC is on the minus strand). VCF-style: chr8-47954436-G-A. GRCh37 (hg19) VCF-style: chr8-48866996-G-A.
Other names: c.410C>T, p.Thr137Ile (NM_001081640.2); short protein forms T137I.
Identifiers: ClinVar variation 3225854 (VCV003225854.1), dbSNP rs543294454, ClinGen allele CA176150681.

ClinVar aggregate classification (germline): Uncertain significance (1 of 4 stars; one submission).

Allele frequency attached by ClinVar (database versions not stated): gnomAD exomes below 0.00001; TOPMed below 0.00001; gnomAD 0.00001; 1000 Genomes Project 30x 0.00016; 1000 Genomes Project 0.00020.
gnomAD v4.1: 2 of 1,291,522 alleles (0.00015%); highest among the groups gnomAD compares: South Asian, 0.0033%; no homozygotes.

Submission:

Ambry Genetics
Classification: Uncertain significance. Last evaluated: 2023-09-27. Review status: criteria provided, single submitter. Criteria: Ambry Variant Classification Scheme 2023. Collection method: clinical testing. Allele origin: germline.
Comment: The p.T137I variant (also known as c.410C>T), located in coding exon 5 of the PRKDC gene, results from a C to T substitution at nucleotide position 410. The threonine at codon 137 is replaced by isoleucine, an amino acid with similar properties. This amino acid position is conserved. In addition, this alteration is predicted to be tolerated by in silico analysis. Since supporting evidence is limited at this time, the clinical significance of this alteration remains unclear.